The following is an entry in ClinVar:

ClinVar aggregate classification (germline): Uncertain significance (1 of 4 stars; one submission).

gnomAD v4.1: 2 of 1,610,620 alleles (0.00012%); highest among the groups gnomAD compares: East Asian, 0.0045%; no homozygotes.

Submission:

Labcorp Genetics (formerly Invitae), Labcorp
Classification: Uncertain significance. Last evaluated: 2024-08-05. Review status: criteria provided, single submitter. Criteria: Invitae Variant Classification Sherloc (09022015). Collection method: clinical testing. Allele origin: germline.
Comment: This sequence change replaces glutamine, which is neutral and polar, with leucine, which is neutral and non-polar, at codon 12 of the PPP2CA protein (p.Gln12Leu). This variant is present in population databases (rs776804051, gnomAD 0.006%). This variant has not been reported in the literature in individuals affected with PPP2CA-related conditions. An algorithm developed to predict the effect of missense changes on protein structure and function (PolyPhen-2) suggests that this variant is likely to be tolerated. In summary, the available evidence is currently insufficient to determine the role of this variant in disease. Therefore, it has been classified as a Variant of Uncertain Significance.

NM_002715.4(PPP2CA):c.35A>T (p.Gln12Leu)

Genes: MIR3661 (microRNA 3661; plus strand), PPP2CA (protein phosphatase 2 catalytic subunit alpha; minus strand). Cytogenetic location: 5q31.1.
Variant type: single nucleotide variant.
Coding change: c.35A>T on transcript NM_002715.4 (MANE Select); coding-DNA position 35, A replaced by T.
Protein change: p.Gln12Leu; replaces glutamine 12 with leucine.
Molecular consequence: missense variant. On other transcripts: non-coding transcript variant (1).
Genome position (GRCh38, 1-based): chr5:134,225,827, T>A on the plus strand (A>T on the coding strand, the complement: PPP2CA is on the minus strand). VCF-style: chr5-134225827-T-A. GRCh37 (hg19) VCF-style: chr5-133561518-T-A.
Other names: short protein forms Q12L.
Identifiers: ClinVar variation 3661446 (VCV003661446.2).